The following is an entry in ClinVar:

NM_003640.5(ELP1):c.189C>T (p.Leu63=)

Gene: ELP1 (elongator acetyltransferase complex subunit 1; minus strand). Cytogenetic location: 9q31.3.
Variant type: single nucleotide variant.
Coding change: c.189C>T on transcript NM_003640.5 (MANE Select); coding-DNA position 189, C replaced by T.
Protein change: p.Leu63=; no amino-acid change (leucine 63 retained).
Molecular consequence: synonymous variant. On other transcripts: 5 prime UTR variant (2).
Genome position (GRCh38, 1-based): chr9:108,929,883, G>A on the plus strand (C>T on the coding strand, the complement: ELP1 is on the minus strand). VCF-style: chr9-108929883-G-A. GRCh37 (hg19) VCF-style: chr9-111692163-G-A.
Other names: p.L63L:CTC>CTT; p.Leu63=; c.189C>T (LRG_251t1, NM_003640.4); c.-154C>T (NM_001318360.2); c.-671C>T (NM_001330749.2).
Identifiers: ClinVar variation 137581 (VCV000137581.30), dbSNP rs2230786, ClinGen allele CA291233.

ClinVar aggregate classification (germline): Benign/Likely benign. Review status: criteria provided, multiple submitters, no conflicts (2 of 4 stars). 8 submissions from 8 submitters: Benign (5); Likely benign (2). 1 of the submissions does not count toward it. Last evaluated 2026-02-04.

Conditions:
Familial dysautonomia. Also called: FD; HSAN III. Identifiers: Orphanet 1764, MedGen C0013364, MONDO:0009131, OMIM 223900. Disease mechanism: loss of function.

Allele frequency attached by ClinVar (database versions not stated): 1000 Genomes Project 30x 0.00906; 1000 Genomes Project 0.00919; TOPMed 0.01703; gnomAD exomes 0.01816; gnomAD 0.01873; ExAC 0.01953; ESP Exome Variant Server 0.01953.
gnomAD v4.1: 34,916 of 1,613,842 alleles (2.2%); highest among the groups gnomAD compares: Non-Finnish European, 2.5%; 458 homozygotes.

Submissions (8):

Labcorp Genetics (formerly Invitae), Labcorp
Classification: Benign. Last evaluated: 2026-02-04. Review status: criteria provided, single submitter. Criteria: Invitae Variant Classification Sherloc (09022015). Collection method: clinical testing. Allele origin: germline.

ARUP Laboratories, Molecular Genetics and Genomics, ARUP Laboratories
Classification: Benign. Last evaluated: 2025-04-21. Review status: criteria provided, single submitter. Criteria: ARUP Molecular Germline Variant Investigation Process 2024. Collection method: clinical testing. Allele origin: germline.

Mayo Clinic Laboratories, Mayo Clinic
Classification: Benign. Last evaluated: 2023-06-08. Review status: criteria provided, single submitter. Criteria: ACMG Guidelines, 2015. Collection method: clinical testing. Allele origin: germline. Observed: 85 variant alleles.
Comment: BS1, BS2, BP4, BP7

Women's Health and Genetics/Laboratory Corporation of America, LabCorp
Classification: Benign. Last evaluated: 2023-03-28. Review status: criteria provided, single submitter. Criteria: LabCorp Variant Classification Summary - May 2015. Collection method: clinical testing. Allele origin: germline.

Illumina Laboratory Services, Illumina
Classification: Likely benign for Familial dysautonomia. Last evaluated: 2018-01-13. Review status: criteria provided, single submitter. Criteria: ICSL Variant Classification Criteria 13 December 2019. Collection method: clinical testing. Allele origin: germline.
Comment: This variant was observed in the ICSL laboratory as part of a predisposition screen in an ostensibly healthy population. It had not been previously curated by ICSL or reported in the Human Gene Mutation Database (HGMD: prior to June 1st, 2018), and was therefore a candidate for classification through an automated scoring system. Utilizing variant allele frequency, disease prevalence and penetrance estimates, and inheritance mode, an automated score was calculated to assess if this variant is too frequent to cause the disease. Based on the score and internal cut-off values, a variant classified as likely benign is not then subjected to further curation. The score for this variant resulted in a classification of likely benign for this disease.

GeneDx
Classification: Benign. Last evaluated: 2014-04-03. Review status: criteria provided, single submitter. Criteria: GeneDx Variant Classification (06012015). Collection method: clinical testing. Allele origin: germline. Affected: yes.
Comment: This variant is considered likely benign or benign based on one or more of the following criteria: it is a conservative change, it occurs at a poorly conserved position in the protein, it is predicted to be benign by multiple in silico algorithms, and/or has population frequency not consistent with disease.

Breakthrough Genomics
Classification: Likely benign. Review status: criteria provided, single submitter. Criteria: ACMG Guidelines, 2015. Collection method: not provided. Allele origin: germline. Inheritance: Autosomal recessive inheritance. Affected: yes.

Natera, Inc.
Classification: Benign for Dysautonomia, familial. Last evaluated: 2019-05-20. Review status: no assertion criteria provided. Collection method: clinical testing. Allele origin: germline. Not counted in ClinVar's aggregate classification.